The following is an entry in ClinVar:

NM_016341.4(PLCE1):c.2352C>T (p.Asp784=)

Gene: PLCE1 (phospholipase C epsilon 1; plus strand). Cytogenetic location: 10q23.33.
Variant type: single nucleotide variant.
Coding change: c.2352C>T on transcript NM_016341.4 (MANE Select); coding-DNA position 2352, C replaced by T.
Protein change: p.Asp784=; no amino-acid change (aspartic acid 784 retained).
Molecular consequence: synonymous variant.
Genome position (GRCh38, 1-based): chr10:94,236,052, C>T. VCF-style: chr10-94236052-C-T. GRCh37 (hg19) VCF-style: chr10-95995809-C-T.
Other names: c.1428C>T, p.Asp476= (NM_001165979.2); c.2352C>T, p.Asp784= (NM_001288989.2).
Identifiers: ClinVar variation 301704 (VCV000301704.19), dbSNP rs201793869, ClinGen allele CA5612620.

ClinVar aggregate classification (germline): Conflicting classifications of pathogenicity. Review status: criteria provided, conflicting classifications (1 of 4 stars). 5 submissions from 5 submitters: Uncertain significance (1); Benign (3); Likely benign (1). Last evaluated 2025-10-03.

Conditions:
Kidney disorder. Also called: Kidney disease; Kidney Diseases; Nephropathy; renal disorder; renal disease. Identifiers: MedGen C0022658, MONDO:0005240, HP:0000112.
Nephrotic syndrome, type 3 (NPHS3). Also called: NEPHROTIC SYNDROME, EARLY-ONSET, TYPE 3. Identifiers: Orphanet 656, MedGen C1853124, MONDO:0012546, OMIM 610725.

Allele frequency attached by ClinVar (database versions not stated): ESP Exome Variant Server 0.00017; gnomAD 0.00044 and 0.00127; TOPMed 0.00057; gnomAD exomes 0.00299; ExAC 0.00346; 1000 Genomes Project 30x 0.00656; 1000 Genomes Project 0.00739.
gnomAD v4.1: 2,348 of 1,613,990 alleles (0.15%); highest among the groups gnomAD compares: South Asian, 2.3%; 47 homozygotes.

Submissions (5):

Labcorp Genetics (formerly Invitae), Labcorp
Classification: Benign. Last evaluated: 2025-10-03. Review status: criteria provided, single submitter. Criteria: Invitae Variant Classification Sherloc (09022015). Collection method: clinical testing. Allele origin: germline.

Fulgent Genetics
Classification: Likely benign for Nephrotic syndrome, type 3. Last evaluated: 2021-10-22. Review status: criteria provided, single submitter. Criteria: ACMG Guidelines, 2015. Collection method: clinical testing. Allele origin: unknown.

Athena Diagnostics
Classification: Benign. Last evaluated: 2018-06-20. Review status: criteria provided, single submitter. Criteria: Athena Diagnostics Criteria. Collection method: clinical testing. Allele origin: germline.

Illumina Laboratory Services, Illumina
Classification: Benign for Nephrotic syndrome, type 3. Last evaluated: 2018-01-12. Review status: criteria provided, single submitter. Criteria: ICSL Variant Classification Criteria 13 December 2019. Collection method: clinical testing. Allele origin: germline.
Comment: This variant was observed in the ICSL laboratory as part of a predisposition screen in an ostensibly healthy population. It had not been previously curated by ICSL or reported in the Human Gene Mutation Database (HGMD: prior to June 1st, 2018), and was therefore a candidate for classification through an automated scoring system. Utilizing variant allele frequency, disease prevalence and penetrance estimates, and inheritance mode, an automated score was calculated to assess if this variant is too frequent to cause the disease. Based on the score and internal cut-off values, a variant classified as benign is not then subjected to further curation. The score for this variant resulted in a classification of benign for this disease.

Genome Diagnostics Laboratory, The Hospital for Sick Children
Classification: Uncertain significance for Kidney disorder. Last evaluated: 2016-12-12. Review status: criteria provided, single submitter. Criteria: ACMG Guidelines, 2015. Collection method: clinical testing. Allele origin: germline.